The following is an entry in ClinVar:

ClinVar aggregate classification (germline): Uncertain significance (1 of 4 stars; one submission).

Conditions:
RYR1-related disorder. Also called: RYR1-related condition; RYR1-related disorders. Identifiers: MedGen CN239331.

Allele frequency attached by ClinVar (database versions not stated): gnomAD below 0.00001.
gnomAD v4.1: 14 of 1,600,452 alleles (0.00087%); highest among the groups gnomAD compares: South Asian, 0.015%; no homozygotes.

Submission:

Labcorp Genetics (formerly Invitae), Labcorp
Classification: Uncertain significance for RYR1-related disorder. Last evaluated: 2022-06-27. Review status: criteria provided, single submitter. Criteria: Invitae Variant Classification Sherloc (09022015). Collection method: clinical testing. Allele origin: germline.
Comment: This variant has not been reported in the literature in individuals affected with RYR1-related conditions. This variant is present in population databases (rs201375572, gnomAD 0.02%). This sequence change replaces phenylalanine, which is neutral and non-polar, with leucine, which is neutral and non-polar, at codon 2494 of the RYR1 protein (p.Phe2494Leu). ClinVar contains an entry for this variant (Variation ID: 1008302). In summary, the available evidence is currently insufficient to determine the role of this variant in disease. Therefore, it has been classified as a Variant of Uncertain Significance. Advanced modeling of protein sequence and biophysical properties (such as structural, functional, and spatial information, amino acid conservation, physicochemical variation, residue mobility, and thermodynamic stability) performed at Invitae indicates that this missense variant is not expected to disrupt RYR1 protein function.

NM_000540.3(RYR1):c.7482C>G (p.Phe2494Leu)

Gene: RYR1 (ryanodine receptor 1; plus strand). Cytogenetic location: 19q13.2.
Variant type: single nucleotide variant.
Coding change: c.7482C>G on transcript NM_000540.3 (MANE Select); coding-DNA position 7482, C replaced by G.
Protein change: p.Phe2494Leu; replaces phenylalanine 2494 with leucine.
Molecular consequence: missense variant.
Genome position (GRCh38, 1-based): chr19:38,500,858, C>G. VCF-style: chr19-38500858-C-G. GRCh37 (hg19) VCF-style: chr19-38991498-C-G.
Other names: c.7482C>G, p.Phe2494Leu (NM_001042723.2); short protein forms F2494L.
Identifiers: ClinVar variation 1008302 (VCV001008302.8), dbSNP rs201375572, ClinGen allele CA069713.